The following is an entry in ClinVar:

NM_023110.3(FGFR1):c.1352C>A (p.Ser451Tyr)

Gene: FGFR1 (fibroblast growth factor receptor 1; minus strand). Cytogenetic location: 8p11.23.
Variant type: single nucleotide variant.
Coding change: c.1352C>A on transcript NM_023110.3 (MANE Select); coding-DNA position 1352, C replaced by A.
Protein change: p.Ser451Tyr; replaces serine 451 with tyrosine.
Molecular consequence: missense variant.
Genome position (GRCh38, 1-based): chr8:38,418,306, G>T on the plus strand (C>A on the coding strand, the complement: FGFR1 is on the minus strand). VCF-style: chr8-38418306-G-T. GRCh37 (hg19) VCF-style: chr8-38275824-G-T.
Other names: c.1352C>A, p.Ser451Tyr (NM_000604.2); c.1346C>A, p.Ser449Tyr (NM_001174063.2, NM_001174065.2, NM_001354367.2 and 1 more transcripts); c.1322C>A, p.Ser441Tyr (NM_001174064.2); c.1085C>A, p.Ser362Tyr (NM_001174066.2, NM_023105.3); c.1445C>A, p.Ser482Tyr (NM_001174067.2); c.1073C>A, p.Ser358Tyr (NM_001354368.2); c.1340C>A, p.Ser447Tyr (NM_001354369.2, NM_001410922.1); c.1079C>A, p.Ser360Tyr (NM_001354370.2, NM_023106.3); short protein forms S358Y, S360Y, S362Y, S441Y, S447Y, S449Y, S451Y, S482Y.
Identifiers: ClinVar variation 2505841 (VCV002505841.3), dbSNP rs374672119, ClinGen allele CA370733330.
Genomic context (GRCh38, chr8:38,418,306, plus strand): 5'-CAGCGAGGGTCTTCGGGAAGCTCATACTCAGAGACCCCTGCTAGCATGGGAGTCCCACTG[G>T]AGGAGAGCCGTGATGGCCGAACCAGAAGAACCCCAGAGTTCATGGATGCACTGGAGTCAG-3'
Protein context (NP_075598.2, residues 441-461): VLLVRPSRLS[Ser451Tyr]SGTPMLAGVS

ClinVar aggregate classification (germline): Uncertain significance. Review status: criteria provided, multiple submitters, no conflicts (2 of 4 stars). 3 submissions from 3 submitters: Uncertain significance (3). Last evaluated 2024-03-13.

Conditions:
FGFR1-related disorder. Also called: FGFR1-related disorders; FGFR1-related condition. Identifiers: MedGen CN380097.
Pfeiffer syndrome (ACS5). Also called: ACS V. Identifiers: Orphanet 710, MedGen C0220658, MONDO:0007043, OMIM 101600.
Hypogonadotropic hypogonadism 2 with or without anosmia (HH2). Also called: FGFR1-Related GnRH Deficiency (Kallmann Syndrome 2); HYPOGONADOTROPIC HYPOGONADISM 2 WITHOUT ANOSMIA; HYPOGONADOTROPIC HYPOGONADISM 2 WITH OR WITHOUT ANOSMIA, SUSCEPTIBILITY TO; HYPOGONADOTROPIC HYPOGONADISM 2 WITHOUT ANOSMIA, SUSCEPTIBILITY TO. Identifiers: Orphanet 478, MedGen C1563720, MONDO:0007844, OMIM 147950. Disease mechanism: loss of function.
Jackson-Weiss syndrome (JWS). Also called: CRANIOSYNOSTOSIS, MIDFACIAL HYPOPLASIA, AND FOOT ABNORMALITIES. Identifiers: Orphanet 1540, MedGen C0795998, MONDO:0007400, OMIM 123150. Disease mechanism: loss of function.
Hartsfield-Bixler-Demyer syndrome (HRTFDS). Also called: FGFR1-Related Hartsfield Syndrome; Hartsfield syndrome; Holoprosencephaly, ectrodactyly, and bilateral cleft lip/palate. Identifiers: Orphanet 2117, MedGen C1845146, MONDO:0014196, OMIM 615465. Disease mechanism: loss of function.
Osteoglophonic dysplasia (OGD). Also called: Osteoglophonic dwarfism. Identifiers: Orphanet 2645, MedGen C0432283, MONDO:0008150, OMIM 166250.
Encephalocraniocutaneous lipomatosis (ECCL). Identifiers: Orphanet 2396, MedGen C0406612, MONDO:0013074, OMIM 613001.
Trigonocephaly 1 (TRIGNO1). Identifiers: Orphanet 3366, MedGen C0432122, MONDO:0008603, OMIM 190440.

gnomAD v4.1: 1 of 1,614,200 alleles (0.000062%); highest among the groups gnomAD compares: African/African-American, 0.0013%; no homozygotes.

Submissions (3):

Fulgent Genetics
Classification: Uncertain significance for Pfeiffer syndrome; Jackson-Weiss syndrome; Hypogonadotropic hypogonadism 2 with or without anosmia; Osteoglophonic dysplasia; Trigonocephaly 1; Encephalocraniocutaneous lipomatosis; Hartsfield-Bixler-Demyer syndrome. Last evaluated: 2024-03-13. Review status: criteria provided, single submitter. Criteria: ACMG Guidelines, 2015. Collection method: clinical testing. Allele origin: germline.

Daryl Scott Lab, Baylor College of Medicine
Classification: Uncertain significance for FGFR1-related disorder. Last evaluated: 2023-11-10. Review status: criteria provided, single submitter. Criteria: ACMG Guidelines, 2015. Collection method: clinical testing. Allele origin: unknown.

GeneDx
Classification: Uncertain significance. Last evaluated: 2023-06-02. Review status: criteria provided, single submitter. Criteria: GeneDx Variant Classification Process June 2021. Collection method: clinical testing. Allele origin: germline. Affected: yes.
Comment: Not observed at significant frequency in large population cohorts (gnomAD); In silico analysis supports that this missense variant has a deleterious effect on protein structure/function; Has not been previously published as pathogenic or benign to our knowledge